The following is an entry in ClinVar:

NM_001394062.1(MACF1):c.13397A>T (p.His4466Leu)

Gene: MACF1 (microtubule actin crosslinking factor 1; plus strand). Cytogenetic location: 1p34.3.
Variant type: single nucleotide variant.
Coding change: c.13397A>T on transcript NM_001394062.1 (MANE Select); coding-DNA position 13397, A replaced by T.
Protein change: p.His4466Leu; replaces histidine 4466 with leucine.
Molecular consequence: missense variant.
Genome position (GRCh38, 1-based): chr1:39,379,323, A>T. VCF-style: chr1-39379323-A-T. GRCh37 (hg19) VCF-style: chr1-39844995-A-T.
Other names: c.7211A>T, p.His2404Leu (NM_012090.5); short protein forms H2404L, H4466L.
Identifiers: ClinVar variation 1307629 (VCV001307629.2), dbSNP rs2148553370, ClinGen allele CA339830894.

ClinVar aggregate classification (germline): Uncertain significance (1 of 4 stars; one submission).

Submission:

GeneDx
Classification: Uncertain significance. Last evaluated: 2019-08-14. Review status: criteria provided, single submitter. Criteria: GeneDx Variant Classification Process June 2021. Collection method: clinical testing. Allele origin: germline. Affected: yes.
Comment: Not observed in large population cohorts (Lek et al., 2016); In silico analysis, which includes protein predictors and evolutionary conservation, supports a deleterious effect; Has not been previously published as pathogenic or benign to our knowledge; Variants in candidate genes are classified as variants of uncertain significance in accordance with ACMG guidelines (Richards et al., 2015)